The following is an entry in ClinVar:

ClinVar aggregate classification (germline): Uncertain significance (1 of 4 stars; one submission).

Conditions:
Pityriasis rubra pilaris (PRP). Also called: Pityriasis rubra pilaris--familial type. Identifiers: Orphanet 2897, MedGen C0032027, MONDO:0100017, OMIM 173200, MONDO:0008251.
Psoriasis 2. Identifiers: MedGen C1864497, MONDO:0011269, OMIM 602723.

gnomAD v4.1: 2 of 1,613,080 alleles (0.00012%); highest among the groups gnomAD compares: Non-Finnish European, 0.00017%; no homozygotes.

Submission:

Labcorp Genetics (formerly Invitae), Labcorp
Classification: Uncertain significance for Pityriasis rubra pilaris; Psoriasis 2. Last evaluated: 2022-02-25. Review status: criteria provided, single submitter. Criteria: Invitae Variant Classification Sherloc (09022015). Collection method: clinical testing. Allele origin: germline.
Comment: In summary, the available evidence is currently insufficient to determine the role of this variant in disease. Therefore, it has been classified as a Variant of Uncertain Significance. Algorithms developed to predict the effect of missense changes on protein structure and function are either unavailable or do not agree on the potential impact of this missense change (SIFT: "Deleterious"; PolyPhen-2: "Benign"; Align-GVGD: "Class C0"). This variant has not been reported in the literature in individuals affected with CARD14-related conditions. This variant is not present in population databases (gnomAD no frequency). This sequence change replaces glutamine, which is neutral and polar, with proline, which is neutral and non-polar, at codon 606 of the CARD14 protein (p.Gln606Pro).

NM_001366385.1(CARD14):c.1817A>C (p.Gln606Pro)

Gene: CARD14 (caspase recruitment domain family member 14; plus strand). Cytogenetic location: 17q25.3.
Variant type: single nucleotide variant.
Coding change: c.1817A>C on transcript NM_001366385.1 (MANE Select); coding-DNA position 1817, A replaced by C.
Protein change: p.Gln606Pro; replaces glutamine 606 with proline.
Molecular consequence: missense variant. On other transcripts: non-coding transcript variant (1).
Genome position (GRCh38, 1-based): chr17:80,198,557, A>C. VCF-style: chr17-80198557-A-C. GRCh37 (hg19) VCF-style: chr17-78172356-A-C.
Other names: c.1817A>C, p.Gln606Pro (NM_001257970.1, NM_024110.4); c.1106A>C, p.Gln369Pro (NM_052819.3); short protein forms Q369P, Q606P.
Identifiers: ClinVar variation 2103666 (VCV002103666.4), dbSNP rs971601757, ClinGen allele CA401351372.